The following is an entry in ClinVar:

NM_012213.3(MLYCD):c.416_417delinsTT (p.Gly139Val)

Gene: MLYCD (malonyl-CoA decarboxylase; plus strand). Cytogenetic location: 16q23.3.
Variant type: Indel.
Coding change: c.416_417delinsTT on transcript NM_012213.3 (MANE Select); coding-DNA positions 416 to 417, GC replaced by TT.
Protein change: p.Gly139Val; replaces glycine 139 with valine.
Molecular consequence: missense variant.
Genome position (GRCh38, 1-based): chr16:83,899,560-83,899,561, GC replaced by TT. VCF-style: chr16-83899560-GC-TT. GRCh37 (hg19) VCF-style: chr16-83933165-GC-TT.
Other names: short protein forms G139V.
Identifiers: ClinVar variation 1369689 (VCV001369689.6), dbSNP rs2151053320, ClinGen allele CA2573152744.

ClinVar aggregate classification (germline): Uncertain significance (1 of 4 stars; one submission).

Conditions:
Deficiency of malonyl-CoA decarboxylase. Also called: Malonic aciduria; MCD deficiency. Identifiers: Orphanet 943, MedGen C0342793, MONDO:0009556, OMIM 248360.

Submission:

Labcorp Genetics (formerly Invitae), Labcorp
Classification: Uncertain significance for Deficiency of malonyl-CoA decarboxylase. Last evaluated: 2022-06-13. Review status: criteria provided, single submitter. Criteria: Invitae Variant Classification Sherloc (09022015). Collection method: clinical testing. Allele origin: germline.
Comment: In summary, the available evidence is currently insufficient to determine the role of this variant in disease. Therefore, it has been classified as a Variant of Uncertain Significance. Algorithms developed to predict the effect of missense changes on protein structure and function are either unavailable or do not agree on the potential impact of this missense change (SIFT: "Not Available"; PolyPhen-2: "Benign"; Align-GVGD: "Not Available"). This variant has not been reported in the literature in individuals affected with MLYCD-related conditions. Information on the frequency of this variant in the gnomAD database is not available, as this variant may be reported differently in the database. This sequence change replaces glycine with valine at codon 139 of the MLYCD protein (p.Gly139Val). The glycine residue is moderately conserved and there is a moderate physicochemical difference between glycine and valine.